The following is an entry in ClinVar:

NM_025179.4(PLXNA2):c.5003G>A (p.Arg1668Gln)

Gene: PLXNA2 (plexin A2; minus strand). Cytogenetic location: 1q32.2.
Variant type: single nucleotide variant.
Coding change: c.5003G>A on transcript NM_025179.4 (MANE Select); coding-DNA position 5003, G replaced by A.
Protein change: p.Arg1668Gln; replaces arginine 1668 with glutamine.
Molecular consequence: missense variant.
Genome position (GRCh38, 1-based): chr1:208,033,371, C>T on the plus strand (G>A on the coding strand, the complement: PLXNA2 is on the minus strand). VCF-style: chr1-208033371-C-T. GRCh37 (hg19) VCF-style: chr1-208206716-C-T.
Other names: c.5003G>A (NM_025179.3); short protein forms R1668Q.
Identifiers: ClinVar variation 2169490 (VCV002169490.6), dbSNP rs747157643, ClinGen allele CA1372698.

ClinVar aggregate classification (germline): Uncertain significance. Review status: criteria provided, single submitter (1 of 4 stars). 2 submissions from 2 submitters: Uncertain significance (1). 1 of the submissions does not count toward it. Last evaluated 2025-02-10.

Conditions:
PLXNA2-related disorder. Also called: PLXNA2-related condition.

Allele frequency attached by ClinVar (database versions not stated): gnomAD 0.00003; TOPMed 0.00003; ExAC 0.00004; gnomAD exomes 0.00009.
gnomAD v4.1: 127 of 1,611,390 alleles (0.0079%); highest among the groups gnomAD compares: Non-Finnish European, 0.0098%; no homozygotes.

Submissions (2):

Labcorp Genetics (formerly Invitae), Labcorp
Classification: Uncertain significance. Last evaluated: 2025-02-10. Review status: criteria provided, single submitter. Criteria: Invitae Variant Classification Sherloc (09022015). Collection method: clinical testing. Allele origin: germline.
Comment: This sequence change replaces arginine, which is basic and polar, with glutamine, which is neutral and polar, at codon 1668 of the PLXNA2 protein (p.Arg1668Gln). This variant is present in population databases (rs747157643, gnomAD 0.006%). This missense change has been observed in individual(s) with PLXNA2-related conditions (PMID: 30661757). ClinVar contains an entry for this variant (Variation ID: 2169490). Invitae Evidence Modeling of protein sequence and biophysical properties (such as structural, functional, and spatial information, amino acid conservation, physicochemical variation, residue mobility, and thermodynamic stability) indicates that this missense variant is not expected to disrupt PLXNA2 protein function with a negative predictive value of 80%. In summary, the available evidence is currently insufficient to determine the role of this variant in disease. Therefore, it has been classified as a Variant of Uncertain Significance.

PreventionGenetics, part of Exact Sciences
Classification: Uncertain significance for PLXNA2-related condition. Last evaluated: 2024-02-05. Review status: no assertion criteria provided. Collection method: clinical testing. Allele origin: germline. Not counted in ClinVar's aggregate classification.
Comment: The PLXNA2 c.5003G>A variant is predicted to result in the amino acid substitution p.Arg1668Gln. This variant has been reported in an individual with severe obesity, Asperger’s syndrome, and speech delay (van der Klaauw et al. 2019. PubMed ID: 30661757). This variant is reported in 0.0062% of alleles in individuals of European (Non-Finnish) descent in gnomAD. At this time, the clinical significance of this variant is uncertain due to the absence of conclusive functional and genetic evidence.

Literature cited by the submitters: PubMed 30661757 (cited by Labcorp Genetics (formerly Invitae), Labcorp).